The following is an entry in ClinVar:

NM_000719.7(CACNA1C):c.17C>G (p.Thr6Arg)

Gene: CACNA1C (calcium voltage-gated channel subunit alpha1 C; plus strand). Cytogenetic location: 12p13.33.
Variant type: single nucleotide variant.
Coding change: c.17C>G on transcript NM_000719.7 (MANE Select); coding-DNA position 17, C replaced by G.
Protein change: p.Thr6Arg; replaces threonine 6 with arginine.
Molecular consequence: missense variant.
Genome position (GRCh38, 1-based): chr12:2,053,579, C>G. VCF-style: chr12-2053579-C-G. GRCh37 (hg19) VCF-style: chr12-2162745-C-G.
Other names: c.17C>G, p.Thr6Arg (NM_001129827.2, NM_001129829.2, NM_001129830.3 and 19 more transcripts); short protein forms T6R.
Identifiers: ClinVar variation 1780357 (VCV001780357.5), dbSNP rs2543374912, ClinGen allele CA383650640.

ClinVar aggregate classification (germline): Uncertain significance. Review status: criteria provided, multiple submitters, no conflicts (2 of 4 stars). 2 submissions from 2 submitters: Uncertain significance (2). Last evaluated 2024-08-14.

Conditions:
Cardiovascular phenotype. Identifiers: MedGen CN230736.
Long QT syndrome (LQTS). Identifiers: MedGen C0023976, MeSH D008133, MONDO:0002442. Disease mechanism: loss of function. Inheritance: Various modes of inheritance.

Submissions (2):

Labcorp Genetics (formerly Invitae), Labcorp
Classification: Uncertain significance for Long QT syndrome. Last evaluated: 2024-08-14. Review status: criteria provided, single submitter. Criteria: Invitae Variant Classification Sherloc (09022015). Collection method: clinical testing. Allele origin: germline.
Comment: This sequence change replaces threonine, which is neutral and polar, with arginine, which is basic and polar, at codon 6 of the CACNA1C protein (p.Thr6Arg). This variant is not present in population databases (gnomAD no frequency). This variant has not been reported in the literature in individuals affected with CACNA1C-related conditions. ClinVar contains an entry for this variant (Variation ID: 1780357). Invitae Evidence Modeling of protein sequence and biophysical properties (such as structural, functional, and spatial information, amino acid conservation, physicochemical variation, residue mobility, and thermodynamic stability) indicates that this missense variant is not expected to disrupt CACNA1C protein function with a negative predictive value of 95%. In summary, the available evidence is currently insufficient to determine the role of this variant in disease. Therefore, it has been classified as a Variant of Uncertain Significance.

Ambry Genetics
Classification: Uncertain significance for Cardiovascular phenotype. Last evaluated: 2019-02-05. Review status: criteria provided, single submitter. Criteria: Ambry Variant Classification Scheme 2023. Collection method: clinical testing. Allele origin: germline.
Comment: The p.T6R variant (also known as c.17C>G), located in coding exon 1 of the CACNA1C gene, results from a C to G substitution at nucleotide position 17. The threonine at codon 6 is replaced by arginine, an amino acid with similar properties. This amino acid position is well conserved in available vertebrate species. In addition, the in silico prediction for this alteration is inconclusive. Since supporting evidence is limited at this time, the clinical significance of this alteration remains unclear.